The following is an entry in ClinVar:

ClinVar aggregate classification (germline): Pathogenic. Review status: criteria provided, multiple submitters, no conflicts (2 of 4 stars). 3 submissions from 3 submitters: Pathogenic (2). 1 of the submissions does not count toward it. Last evaluated 2025-05-28.

Conditions:
Ornithine carbamoyltransferase deficiency (OTCD). Also called: ORNITHINE TRANSCARBAMYLASE DEFICIENCY, HYPERAMMONEMIA DUE TO; ORNITHINE TRANSCARBAMYLASE DEFICIENCY; OTC DEFICIENCY; Ornithine Carbamoyltransferase Deficiency Disease. Identifiers: Orphanet 664, MedGen C0268542, MONDO:0010703, OMIM 311250.

Submissions (4):

Myriad Genetics, Inc.
Classification: Pathogenic for Ornithine carbamoyltransferase deficiency. Last evaluated: 2025-05-28. Review status: criteria provided, single submitter. Criteria: Myriad Autosomal Dominant, Autosomal Recessive and X-Linked Classification Criteria (2023). Collection method: clinical testing. Allele origin: unknown.
Comment: NM_000531.5(OTC):c.386+1G>A is a variant in a canonical splice site classified as pathogenic in the context of ornithine transcarbamylase deficiency. c.386+1G>A has been observed in cases with relevant disease (PMID: 17565723, 28266016, 25433810). Relevant functional assessments of this variant are available in the literature (PMID: 34906067). c.386+1G>A has not been observed in referenced population frequency databases. In summary, NM_000531.5(OTC):c.386+1G>A is a variant in a canonical splice site in a gene where loss of function is a known mechanism of disease, is predicted to disrupt protein function, and has been observed more frequently in cases with the relevant disease than in healthy populations. Please note: this variant was assessed in the context of healthy population screening.

GeneDx
Classification: Pathogenic. Last evaluated: 2022-03-01. Review status: criteria provided, single submitter. Criteria: GeneDx Variant Classification Process June 2021. Collection method: clinical testing. Allele origin: germline. Affected: yes.
Comment: Canonical splice site variant predicted to result in a null allele in a gene for which loss-of-function is a known mechanism of disease; Published functional studies demonstrate skipping of exon 4 in a majority of transcripts (Sacchetto et al., 2021); Not observed at significant frequency in large population cohorts (gnomAD); This variant is associated with the following publications: (PMID: 25525159, 16786505, 34906067)

Dr. Peter K. Rogan Lab, Western University
No classification provided (evidence only). Condition: Nonpapillary renal cell carcinoma. Review status: no classification provided. Collection method: in vitro. Allele origin: not applicable. Functional consequence: retained intron. Not counted in ClinVar's aggregate classification.

GenMed Metabolism Lab
Classification: Pathogenic. Review status: no assertion criteria provided. Collection method: not provided. Allele origin: unknown. Not counted in ClinVar's aggregate classification.
Comment: Neonatal, Donor splice site error
ClinVar note: Converted during submission from pathogenic to Pathogenic.

Literature cited by the submitters: PubMed 17565723 (cited by Myriad Genetics, Inc.); PubMed 25433810 (cited by Myriad Genetics, Inc.); PubMed 28266016 (cited by Myriad Genetics, Inc.); PubMed 34906067 (cited by Myriad Genetics, Inc.).

NM_000531.6(OTC):c.386+1G>A

Gene: OTC (ornithine transcarbamylase; plus strand). Cytogenetic location: Xp11.4.
Variant type: single nucleotide variant.
Coding change: c.386+1G>A on transcript NM_000531.6 (MANE Select); the canonical splice donor site of the intron after coding-DNA position 386, G replaced by A.
Molecular consequence: splice donor variant.
Genome position (GRCh38, 1-based): chrX:38,381,430, G>A. VCF-style: chrX-38381430-G-A. GRCh37 (hg19) VCF-style: chrX-38240683-G-A.
Other names: NC_000023.10:g.38240683G>A; c.386+1G>A (NM_001407092.1).
Identifiers: ClinVar variation 97178 (VCV000097178.6), dbSNP rs66737144, ClinGen allele CA224565.